The following is an entry in ClinVar:

NM_017777.4(MKS1):c.1387C>A (p.Arg463=)

Gene: MKS1 (MKS transition zone complex subunit 1; minus strand). Cytogenetic location: 17q22.
Variant type: single nucleotide variant.
Coding change: c.1387C>A on transcript NM_017777.4 (MANE Select); coding-DNA position 1387, C replaced by A.
Protein change: p.Arg463=; no amino-acid change (arginine 463 retained).
Molecular consequence: synonymous variant. On other transcripts: intron variant (1).
Genome position (GRCh38, 1-based): chr17:58,207,105, G>T on the plus strand (C>A on the coding strand, the complement: MKS1 is on the minus strand). VCF-style: chr17-58207105-G-T. GRCh37 (hg19) VCF-style: chr17-56284466-G-T.
Other names: c.778C>A, p.Arg260= (NM_001321268.2); c.1387C>A, p.Arg463= (NM_001321269.2); c.1274-725C>A (NM_001330397.2).
Identifiers: ClinVar variation 1985587 (VCV001985587.1), dbSNP rs766392300, ClinGen allele CA292008169.

ClinVar aggregate classification (germline): Uncertain significance (1 of 4 stars; one submission).

Conditions:
Joubert syndrome. Also called: CEREBELLOPARENCHYMAL DISORDER IV; JOUBERT-BOLTSHAUSER SYNDROME; Familial aplasia of the vermis. Identifiers: Orphanet 475, MedGen C5979921, MONDO:0018772.
Meckel-Gruber syndrome. Also called: DYSENCEPHALIA SPLANCHNOCYSTICA; GRUBER SYNDROME; Dysencephalia splachnocystica. Identifiers: Orphanet 564, MedGen C0265215, MONDO:0018921.

Submission:

Labcorp Genetics (formerly Invitae), Labcorp
Classification: Uncertain significance for Joubert syndrome; Meckel-Gruber syndrome. Last evaluated: 2022-02-25. Review status: criteria provided, single submitter. Criteria: Invitae Variant Classification Sherloc (09022015). Collection method: clinical testing. Allele origin: germline.
Comment: This sequence change affects codon 463 of the MKS1 mRNA. It is a 'silent' change, meaning that it does not change the encoded amino acid sequence of the MKS1 protein. This variant is not present in population databases (gnomAD no frequency). This variant has not been reported in the literature in individuals affected with MKS1-related conditions. Algorithms developed to predict the effect of sequence changes on RNA splicing suggest that this variant may create or strengthen a splice site. In summary, the available evidence is currently insufficient to determine the role of this variant in disease. Therefore, it has been classified as a Variant of Uncertain Significance.